The following is an entry in ClinVar:

ClinVar aggregate classification (germline): Uncertain significance (1 of 4 stars; one submission).

gnomAD v4.1: 1 of 1,614,026 alleles (0.000062%); highest among the groups gnomAD compares: Non-Finnish European, 0.000085%; no homozygotes.

Submission:

GeneDx
Classification: Uncertain significance. Last evaluated: 2024-08-23. Review status: criteria provided, single submitter. Criteria: GeneDx Variant Classification Process June 2021. Collection method: clinical testing. Allele origin: germline. Affected: yes.
Comment: Not observed at significant frequency in large population cohorts (gnomAD); In silico analysis supports that this missense variant has a deleterious effect on protein structure/function; Has not been previously published as pathogenic or benign to our knowledge

NM_001194998.2(CEP152):c.116A>G (p.His39Arg)

Gene: CEP152 (centrosomal protein 152; minus strand). Cytogenetic location: 15q21.1.
Variant type: single nucleotide variant.
Coding change: c.116A>G on transcript NM_001194998.2 (MANE Select); coding-DNA position 116, A replaced by G.
Protein change: p.His39Arg; replaces histidine 39 with arginine.
Molecular consequence: missense variant.
Genome position (GRCh38, 1-based): chr15:48,798,023, T>C on the plus strand (A>G on the coding strand, the complement: CEP152 is on the minus strand). VCF-style: chr15-48798023-T-C. GRCh37 (hg19) VCF-style: chr15-49090220-T-C.
Other names: c.116A>G, p.His39Arg (NM_014985.4); short protein forms H39R.
Identifiers: ClinVar variation 3764174 (VCV003764174.1).